The following is an entry in ClinVar:

NM_000138.5(FBN1):c.7864T>C (p.Cys2622Arg)

Gene: FBN1 (fibrillin 1; minus strand). Cytogenetic location: 15q21.1.
Variant type: single nucleotide variant.
Coding change: c.7864T>C on transcript NM_000138.5 (MANE Select); coding-DNA position 7864, T replaced by C.
Protein change: p.Cys2622Arg; replaces cysteine 2622 with arginine.
Molecular consequence: missense variant.
Genome position (GRCh38, 1-based): chr15:48,415,723, A>G on the plus strand (T>C on the coding strand, the complement: FBN1 is on the minus strand). VCF-style: chr15-48415723-A-G. GRCh37 (hg19) VCF-style: chr15-48707920-A-G.
Other names: short protein forms C2622R.
Identifiers: ClinVar variation 549436 (VCV000549436.5), dbSNP rs1555393882, ClinGen allele CA392323375.

ClinVar aggregate classification (germline): Pathogenic. Review status: criteria provided, multiple submitters, no conflicts (2 of 4 stars). 3 submissions from 3 submitters: Pathogenic (2). 1 of the submissions does not count toward it. Last evaluated 2024-08-18.

Conditions:
Familial thoracic aortic aneurysm and aortic dissection (TAAD). Also called: Thoracic aortic aneurysms and dissections. Identifiers: Orphanet 91387, MedGen C4707243, MONDO:0019625.
Marfan syndrome (MFS). Also called: Marfan syndrome type 1; Marfan syndrome, classic; Marfan's syndrome; FBN1-Related Marfan Syndrome; MARFAN SYNDROME, TYPE I. Identifiers: Orphanet 284963, Orphanet 558, MedGen C0024796, MONDO:0007947, OMIM 154700.

Submissions (3):

GeneDx
Classification: Pathogenic. Last evaluated: 2024-08-18. Review status: criteria provided, single submitter. Criteria: GeneDx Variant Classification Process June 2021. Collection method: clinical testing. Allele origin: germline. Affected: yes.
Comment: Affects a cysteine residue within an EGF-like domain of the FBN1 gene, which may affect disulfide bonding and is predicted to alter the structure and function of the protein; cysteine substitutions in the EGF-like domains represent the majority of pathogenic missense changes associated with FBN1-related disorders (PMID: 12938084); Not observed at significant frequency in large population cohorts (gnomAD); In silico analysis supports that this missense variant has a deleterious effect on protein structure/function; This variant is associated with the following publications: (PMID: 12938084, 27906200, 25656438)

Labcorp Genetics (formerly Invitae), Labcorp
Classification: Pathogenic for Marfan syndrome; Familial thoracic aortic aneurysm and aortic dissection. Last evaluated: 2021-12-24. Review status: criteria provided, single submitter. Criteria: Invitae Variant Classification Sherloc (09022015). Collection method: clinical testing. Allele origin: germline.
Comment: For these reasons, this variant has been classified as Pathogenic. This variant disrupts the p.Cys2622 amino acid residue in FBN1. Other variant(s) that disrupt this residue have been observed in individuals with FBN1-related conditions (PMID: 15241795, 33665530), which suggests that this may be a clinically significant amino acid residue. This sequence change replaces cysteine, which is neutral and slightly polar, with arginine, which is basic and polar, at codon 2622 of the FBN1 protein (p.Cys2622Arg). This variant is not present in population databases (gnomAD no frequency). This missense change has been observed in individuals with Marfan syndrome (PMID: 25656438, 27906200). ClinVar contains an entry for this variant (Variation ID: 549436). Advanced modeling of protein sequence and biophysical properties (such as structural, functional, and spatial information, amino acid conservation, physicochemical variation, residue mobility, and thermodynamic stability) performed at Invitae indicates that this missense variant is expected to disrupt FBN1 protein function. This variant affects a cysteine residue in the EGF-like, TGFBP or hybrid motif domains of FBN1. Cysteine residues are believed to be involved in intramolecular disulfide bridges and have been shown to be important for FBN1 protein structure (PMID: 16905551, 19349279). In addition, missense substitutions affecting cysteine residues within these domains are significantly overrepresented among patients with Marfan syndrome (PMID: 16571647, 17701892).

Center for Medical Genetics Ghent, University of Ghent
Classification: Likely pathogenic for Marfan syndrome. Last evaluated: 2017-11-07. Review status: no assertion criteria provided. Collection method: clinical testing. Allele origin: germline. Affected: yes. Not counted in ClinVar's aggregate classification.

Literature cited by the submitters: PubMed 15241795 (cited by Labcorp Genetics (formerly Invitae), Labcorp); PubMed 33665530 (cited by Labcorp Genetics (formerly Invitae), Labcorp); PubMed 25656438 (cited by Labcorp Genetics (formerly Invitae), Labcorp); PubMed 27906200 (cited by Labcorp Genetics (formerly Invitae), Labcorp); PubMed 16905551 (cited by Labcorp Genetics (formerly Invitae), Labcorp); PubMed 19349279 (cited by Labcorp Genetics (formerly Invitae), Labcorp); PubMed 16571647 (cited by Labcorp Genetics (formerly Invitae), Labcorp); PubMed 17701892 (cited by Labcorp Genetics (formerly Invitae), Labcorp).